The following is an entry in ClinVar:

NM_000057.4(BLM):c.2837C>A (p.Thr946Lys)

Gene: BLM (BLM RecQ like helicase; plus strand). Cytogenetic location: 15q26.1.
Variant type: single nucleotide variant.
Coding change: c.2837C>A on transcript NM_000057.4 (MANE Select); coding-DNA position 2837, C replaced by A.
Protein change: p.Thr946Lys; replaces threonine 946 with lysine.
Molecular consequence: missense variant.
Genome position (GRCh38, 1-based): chr15:90,790,662, C>A. VCF-style: chr15-90790662-C-A. GRCh37 (hg19) VCF-style: chr15-91333892-C-A.
Other names: c.2837C>A, p.Thr946Lys (NM_001287246.2, NM_001287247.2); c.1712C>A, p.Thr571Lys (NM_001287248.2); short protein forms T571K, T946K.
Identifiers: ClinVar variation 1525382 (VCV001525382.6), dbSNP rs2151184440, ClinGen allele CA393846244.
Genomic context (GRCh38, chr15:90,790,662, plus strand): 5'-TCAAGTCTGTGCCTTATGAATCTAATAAGCTTTTGCTTTTATATCAGGTTATCTGTGCTA[C>A]AATTGCATTTGGAATGGGGATTGACAAACCGGACGTGCGATTTGTGATTCATGCATCTCT-3'
Protein context (NP_000048.1, residues 936-956): NQDGCQVICA[Thr946Lys]IAFGMGIDKP

ClinVar aggregate classification (germline): Uncertain significance (1 of 4 stars; one submission).

Conditions:
Bloom syndrome (BLM). Also called: Bloom-Torre-Machacek syndrome. Identifiers: Orphanet 125, MedGen C0005859, MONDO:0008876, OMIM 210900.

Submission:

Labcorp Genetics (formerly Invitae), Labcorp
Classification: Uncertain significance for Bloom syndrome. Last evaluated: 2022-01-13. Review status: criteria provided, single submitter. Criteria: Invitae Variant Classification Sherloc (09022015). Collection method: clinical testing. Allele origin: germline.
Comment: In summary, the available evidence is currently insufficient to determine the role of this variant in disease. Therefore, it has been classified as a Variant of Uncertain Significance. Algorithms developed to predict the effect of missense changes on protein structure and function are either unavailable or do not agree on the potential impact of this missense change (SIFT: "Deleterious"; PolyPhen-2: "Probably Damaging"; Align-GVGD: "Class C0"). This variant has not been reported in the literature in individuals affected with BLM-related conditions. This variant is not present in population databases (gnomAD no frequency). This sequence change replaces threonine, which is neutral and polar, with lysine, which is basic and polar, at codon 946 of the BLM protein (p.Thr946Lys).